The following is an entry in ClinVar:

ClinVar aggregate classification (germline): Benign/Likely benign. Review status: criteria provided, multiple submitters, no conflicts (2 of 4 stars). 3 submissions from 3 submitters: Benign (1); Likely benign (2). Last evaluated 2026-08-01.

Allele frequency attached by ClinVar (database versions not stated): gnomAD 0.00006 and 0.00007; TOPMed 0.00009; ExAC 0.00015; ESP Exome Variant Server 0.00015; 1000 Genomes Project 30x 0.00016; 1000 Genomes Project 0.00020.
gnomAD v4.1: 188 of 1,612,330 alleles (0.012%); highest among the groups gnomAD compares: South Asian, 0.03%; no homozygotes.

Submissions (3):

CeGaT Center for Human Genetics Tuebingen
Classification: Likely benign. Last evaluated: 2026-08-01. Review status: criteria provided, single submitter. Criteria: CeGaT Center For Human Genetics Tuebingen Variant Classification Criteria Version 2. Collection method: clinical testing. Allele origin: germline. Affected: yes. Observed: 1 variant allele.
Comment: ABL1: BP4, BP7

Labcorp Genetics (formerly Invitae), Labcorp
Classification: Benign. Last evaluated: 2026-01-12. Review status: criteria provided, single submitter. Criteria: Invitae Variant Classification Sherloc (09022015). Collection method: clinical testing. Allele origin: germline.

Blueprint Genetics
Classification: Likely benign. Last evaluated: 2024-11-27. Review status: criteria provided, single submitter. Criteria: ACMG Guidelines, 2015. Collection method: clinical testing. Allele origin: germline.

NM_005157.6(ABL1):c.2832C>T (p.Asp944=)

Gene: ABL1 (ABL proto-oncogene 1, non-receptor tyrosine kinase; plus strand). Cytogenetic location: 9q34.12.
Variant type: single nucleotide variant.
Coding change: c.2832C>T on transcript NM_005157.6 (MANE Select); coding-DNA position 2832, C replaced by T.
Protein change: p.Asp944=; no amino-acid change (aspartic acid 944 retained).
Molecular consequence: synonymous variant.
Genome position (GRCh38, 1-based): chr9:130,885,122, C>T. VCF-style: chr9-130885122-C-T. GRCh37 (hg19) VCF-style: chr9-133760509-C-T.
Other names: c.2889C>T, p.Asp963= (NM_007313.3).
Identifiers: ClinVar variation 1599787 (VCV001599787.10), dbSNP rs151176526, ClinGen allele CA5285788.